The following is an entry in ClinVar:

ClinVar aggregate classification (germline): Benign/Likely benign. Review status: criteria provided, multiple submitters, no conflicts (2 of 4 stars). 3 submissions from 3 submitters: Benign (1); Likely benign (2). Last evaluated 2026-01-02.

Conditions:
COG1 congenital disorder of glycosylation (CDG2G). Also called: CDG IIg; CDGII/COG1 CEREBROCOSTOMANDIBULAR-LIKE SYNDROME; CONGENITAL DISORDER OF GLYCOSYLATION, TYPE IIg. Identifiers: Orphanet 263508, MedGen C2931011, MONDO:0012637, OMIM 611209.

Allele frequency attached by ClinVar (database versions not stated): gnomAD exomes 0.00052 and 0.00136; ExAC 0.00162; 1000 Genomes Project 0.00439; ESP Exome Variant Server 0.00446; gnomAD 0.00475 and 0.00513; TOPMed 0.00532; 1000 Genomes Project 30x 0.00547.
gnomAD v4.1: 1,519 of 1,600,342 alleles (0.095%); highest among the groups gnomAD compares: African/African-American, 1.5%; 12 homozygotes.

Submissions (9):

Labcorp Genetics (formerly Invitae), Labcorp
Classification: Benign for COG1 congenital disorder of glycosylation. Last evaluated: 2026-01-02. Review status: criteria provided, single submitter. Criteria: Invitae Variant Classification Sherloc (09022015). Collection method: clinical testing. Allele origin: germline.

Illumina Laboratory Services, Illumina
Classification: Likely benign for COG1 congenital disorder of glycosylation. Last evaluated: 2018-01-12. Review status: criteria provided, single submitter. Criteria: ICSL Variant Classification Criteria 13 December 2019. Collection method: clinical testing. Allele origin: germline.
Comment: This variant was observed in the ICSL laboratory as part of a predisposition screen in an ostensibly healthy population. It had not been previously curated by ICSL or reported in the Human Gene Mutation Database (HGMD: prior to June 1st, 2018), and was therefore a candidate for classification through an automated scoring system. Utilizing variant allele frequency, disease prevalence and penetrance estimates, and inheritance mode, an automated score was calculated to assess if this variant is too frequent to cause the disease. Based on the score and internal cut-off values, a variant classified as likely benign is not then subjected to further curation. The score for this variant resulted in a classification of likely benign for this disease.

Center for Pediatric Genomic Medicine, Children's Mercy Hospital and Clinics
Classification: Likely benign. Last evaluated: 2016-09-02. Review status: criteria provided, single submitter. Criteria: ACMG Guidelines, 2015. Collection method: clinical testing. Allele origin: germline.
ClinVar note: Converted during submission from Likely Benign to Likely benign.

Dr. Peter K. Rogan Lab, Western University
No classification provided (evidence only). Condition: Lung cancer. Review status: no classification provided. Collection method: in vitro. Allele origin: not applicable. Functional consequence: retained intron. Not counted in ClinVar's aggregate classification.

Dr. Peter K. Rogan Lab, Western University
No classification provided (evidence only). Condition: Familial cancer of breast. Review status: no classification provided. Collection method: in vitro. Allele origin: not applicable. Functional consequence: retained intron. Not counted in ClinVar's aggregate classification.

Dr. Peter K. Rogan Lab, Western University
No classification provided (evidence only). Condition: Acute myeloid leukemia. Review status: no classification provided. Collection method: in vitro. Allele origin: not applicable. Functional consequence: retained intron. Not counted in ClinVar's aggregate classification.

Dr. Peter K. Rogan Lab, Western University
No classification provided (evidence only). Condition: Sarcoma. Review status: no classification provided. Collection method: in vitro. Allele origin: not applicable. Functional consequence: retained intron. Not counted in ClinVar's aggregate classification.

Dr. Peter K. Rogan Lab, Western University
No classification provided (evidence only). Condition: Ovarian serous cystadenocarcinoma. Review status: no classification provided. Collection method: in vitro. Allele origin: not applicable. Functional consequence: retained intron. Not counted in ClinVar's aggregate classification.

Dr. Peter K. Rogan Lab, Western University
No classification provided (evidence only). Condition: Gastric cancer. Review status: no classification provided. Collection method: in vitro. Allele origin: not applicable. Functional consequence: retained intron. Not counted in ClinVar's aggregate classification.

NM_018714.3(COG1):c.2620-10T>G

Gene: COG1 (component of oligomeric golgi complex 1; plus strand). Cytogenetic location: 17q25.1.
Variant type: single nucleotide variant.
Coding change: c.2620-10T>G on transcript NM_018714.3 (MANE Select); 10 bases into the intron before coding-DNA position 2620, T replaced by G.
Molecular consequence: intron variant.
Genome position (GRCh38, 1-based): chr17:73,206,698, T>G. VCF-style: chr17-73206698-T-G. GRCh37 (hg19) VCF-style: chr17-71202837-T-G.
Identifiers: ClinVar variation 324974 (VCV000324974.16), dbSNP rs144989249, ClinGen allele CA8740554.